The following is an entry in ClinVar:

NM_024529.5(CDC73):c.1405A>G (p.Ile469Val)

Gene: CDC73 (cell division cycle 73; plus strand). Cytogenetic location: 1q31.2.
Variant type: single nucleotide variant.
Coding change: c.1405A>G on transcript NM_024529.5 (MANE Select); coding-DNA position 1405, A replaced by G.
Protein change: p.Ile469Val; replaces isoleucine 469 with valine.
Molecular consequence: missense variant.
Genome position (GRCh38, 1-based): chr1:193,236,344, A>G. VCF-style: chr1-193236344-A-G. GRCh37 (hg19) VCF-style: chr1-193205474-A-G.
Other names: short protein forms I469V.
Identifiers: ClinVar variation 854881 (VCV000854881.14), dbSNP rs1252554973, ClinGen allele CA344078288.
Genomic context (GRCh38, chr1:193,236,344, plus strand): 5'-GGTCCTGCATGGCAGTTCAAAGGTTGGCCATGGCTTTTGCCTGATGGATCACCAGTTGAT[A>G]TATTTGCTAAAAGTAAGATTCTCTTTGTATTTACTGTATCCAGTATAGAAATGTTCTCAC-3'
Protein context (NP_078805.3, residues 459-479): WLLPDGSPVD[Ile469Val]FAKIKAFHLK

ClinVar aggregate classification (germline): Uncertain significance. Review status: criteria provided, multiple submitters, no conflicts (2 of 4 stars). 4 submissions from 4 submitters: Uncertain significance (4). Last evaluated 2026-01-12.

Conditions:
Hereditary cancer-predisposing syndrome. Also called: Hereditary neoplastic syndrome; Tumor predisposition; Neoplastic Syndromes, Hereditary; Hereditary Cancer Syndrome. Identifiers: Orphanet 140162, MedGen C0027672, MeSH D009386, MONDO:0015356.
Parathyroid carcinoma (PRTC). Also called: Parathyroid gland carcinoma; CDC73-Related Parathyroid Carcinoma. Identifiers: Orphanet 143, MedGen C0687150, MONDO:0012004, OMIM 608266, HP:0006780.
Hyperparathyroidism 1 (HRPT1). Also called: HYPERPARATHYROIDISM, FAMILIAL ISOLATED PRIMARY. Identifiers: Orphanet 99879, MedGen C1840402, MONDO:0007767, OMIM 145000.
Hyperparathyroidism 2 with jaw tumors. Also called: Hyperparathyroidism-Jaw Tumor Syndrome; Hyperparathyroidism 2; HYPERPARATHYROIDISM, FAMILIAL PRIMARY, WITH MULTIPLE OSSIFYING JAW FIBROMAS; HYPERPARATHYROIDISM-JAW TUMOR SYNDROME, HEREDITARY. Identifiers: Orphanet 99880, MedGen C1704981, MONDO:0007768, OMIM 145001.

Allele frequency attached by ClinVar (database versions not stated): gnomAD exomes below 0.00001; gnomAD 0.00001; TOPMed 0.00001.
gnomAD v4.1: 6 of 1,598,834 alleles (0.00038%); highest among the groups gnomAD compares: African/African-American, 0.004%; no homozygotes.

Submissions (4):

Labcorp Genetics (formerly Invitae), Labcorp
Classification: Uncertain significance for Parathyroid carcinoma. Last evaluated: 2026-01-12. Review status: criteria provided, single submitter. Criteria: Invitae Variant Classification Sherloc (09022015). Collection method: clinical testing. Allele origin: germline.
Comment: This sequence change replaces isoleucine, which is neutral and non-polar, with valine, which is neutral and non-polar, at codon 469 of the CDC73 protein (p.Ile469Val). This variant is not present in population databases (gnomAD no frequency). This variant has not been reported in the literature in individuals affected with CDC73-related conditions. ClinVar contains an entry for this variant (Variation ID: 854881). Invitae Evidence Modeling of protein sequence and biophysical properties (such as structural, functional, and spatial information, amino acid conservation, physicochemical variation, residue mobility, and thermodynamic stability) indicates that this missense variant is not expected to disrupt CDC73 protein function with a negative predictive value of 80%. In summary, the available evidence is currently insufficient to determine the role of this variant in disease. Therefore, it has been classified as a Variant of Uncertain Significance.

Ambry Genetics
Classification: Uncertain significance for Hereditary cancer-predisposing syndrome. Last evaluated: 2025-12-08. Review status: criteria provided, single submitter. Criteria: Ambry Variant Classification Scheme 2023. Collection method: clinical testing. Allele origin: germline.
Comment: The p.I469V variant (also known as c.1405A>G), located in coding exon 15 of the CDC73 gene, results from an A to G substitution at nucleotide position 1405. The isoleucine at codon 469 is replaced by valine, an amino acid with highly similar properties. This amino acid position is highly conserved in available vertebrate species. In addition, the in silico prediction for this alteration is inconclusive. Since supporting evidence is limited at this time, the clinical significance of this alteration remains unclear.

Fulgent Genetics
Classification: Uncertain significance for Hyperparathyroidism 1; Hyperparathyroidism 2 with jaw tumors; Parathyroid carcinoma. Last evaluated: 2024-06-17. Review status: criteria provided, single submitter. Criteria: ACMG Guidelines, 2015. Collection method: clinical testing. Allele origin: germline.

GeneDx
Classification: Uncertain significance. Last evaluated: 2022-08-04. Review status: criteria provided, single submitter. Criteria: GeneDx Variant Classification Process June 2021. Collection method: clinical testing. Allele origin: germline. Affected: yes.
Comment: Not observed at significant frequency in large population cohorts (gnomAD); In silico analysis supports that this missense variant does not alter protein structure/function; Has not been previously published as pathogenic or benign to our knowledge; This variant is associated with the following publications: (PMID: 15923622)